The following is an entry in ClinVar:

ClinVar aggregate classification (germline): Uncertain significance (1 of 4 stars; one submission).

Submission:

GeneDx
Classification: Uncertain significance. Last evaluated: 2019-12-31. Review status: criteria provided, single submitter. Criteria: GeneDx Variant Classification Process June 2021. Collection method: clinical testing. Allele origin: germline. Affected: yes.
Comment: Not observed in large population cohorts (Lek et al., 2016); In silico analysis, which includes protein predictors and evolutionary conservation, supports a deleterious effect; Has not been previously published as pathogenic or benign to our knowledge

NM_005251.3(FOXC2):c.80C>T (p.Ala27Val)

Genes: FOXC2 (forkhead box C2; plus strand), FOXC2-AS1 (FOXC2 antisense RNA 1; minus strand). Cytogenetic location: 16q24.1.
Variant type: single nucleotide variant.
Coding change: c.80C>T on transcript NM_005251.3 (MANE Select); coding-DNA position 80, C replaced by T.
Protein change: p.Ala27Val; replaces alanine 27 with valine.
Molecular consequence: missense variant.
Genome position (GRCh38, 1-based): chr16:86,567,415, C>T. VCF-style: chr16-86567415-C-T. GRCh37 (hg19) VCF-style: chr16-86601021-C-T.
Other names: short protein forms A27V.
Identifiers: ClinVar variation 1311718 (VCV001311718.2), dbSNP rs2144018176, ClinGen allele CA397005764.